The following is an entry in ClinVar:

ClinVar aggregate classification (germline): Uncertain significance. Review status: criteria provided, multiple submitters, no conflicts (2 of 4 stars). 2 submissions from 2 submitters: Uncertain significance (2). Last evaluated 2025-12-14.

Allele frequency attached by ClinVar (database versions not stated): ESP Exome Variant Server 0.00038; gnomAD 0.00055; gnomAD exomes 0.00054; TOPMed 0.00054; ExAC 0.00058.
gnomAD v4.1: 853 of 1,612,910 alleles (0.053%); highest among the groups gnomAD compares: Admixed American, 0.09%; 1 homozygote.

Submissions (2):

GeneDx
Classification: Uncertain significance. Last evaluated: 2025-12-14. Review status: criteria provided, single submitter. Criteria: GeneDx Variant Classification Process June 2021. Collection method: clinical testing. Allele origin: germline.
Comment: In silico analysis supports that this missense variant has a deleterious effect on protein structure/function; Has not been previously published as pathogenic or benign to our knowledge

Ambry Genetics
Classification: Uncertain significance. Last evaluated: 2024-06-26. Review status: criteria provided, single submitter. Criteria: Ambry Variant Classification Scheme 2023. Collection method: clinical testing. Allele origin: germline.

NM_006225.4(PLCD1):c.1250C>G (p.Pro417Arg)

Gene: PLCD1 (phospholipase C delta 1; minus strand). Cytogenetic location: 3p22.2.
Variant type: single nucleotide variant.
Coding change: c.1250C>G on transcript NM_006225.4 (MANE Select); coding-DNA position 1250, C replaced by G.
Protein change: p.Pro417Arg; replaces proline 417 with arginine.
Molecular consequence: missense variant. On other transcripts: non-coding transcript variant (1).
Genome position (GRCh38, 1-based): chr3:38,009,941, G>C on the plus strand (C>G on the coding strand, the complement: PLCD1 is on the minus strand). VCF-style: chr3-38009941-G-C. GRCh37 (hg19) VCF-style: chr3-38051432-G-C.
Other names: c.1313C>G, p.Pro438Arg (NM_001130964.2); short protein forms P417R, P438R.
Identifiers: ClinVar variation 2316709 (VCV002316709.5), dbSNP rs200255245, ClinGen allele CA2313112.